The following is an entry in ClinVar:

NM_019109.5(ALG1):c.732del (p.Phe244fs)

Gene: ALG1 (ALG1 chitobiosyldiphosphodolichol beta-mannosyltransferase; plus strand). Cytogenetic location: 16p13.3.
Variant type: Deletion.
Coding change: c.732del on transcript NM_019109.5 (MANE Select); coding-DNA position 732, one base deleted (C; older notation c.732delC).
Protein change: p.Phe244fs; shifts the reading frame from phenylalanine 244.
Molecular consequence: frameshift variant.
Genome position (GRCh38, 1-based): chr16:5,078,009, C deleted. VCF-style (leftmost placement, unchanged base first): chr16-5078008-TC-T. GRCh37 (hg19) VCF-style: chr16-5128009-TC-T.
Other names: c.399del, p.Phe133fs (NM_001330504.2); c.732del, p.Phe244fs (NM_001438123.1); short protein forms F244fs, F133fs.
Identifiers: ClinVar variation 4733803 (VCV004733803.1).
Genomic context (GRCh38, chr16:5,078,008, plus strand): 5'-AGACACCTCTGGACCTGCAGCACCGGCTCTTCATGAAGCTGGGCAGCATGCACTCTCCGT[TC>T]AGGGCCCGGTAGGCCTCCCATCCTCAGCTGCCTTCTCTCCTGCTCGCCACTGCCCTGGCC-3'

ClinVar aggregate classification (germline): Pathogenic (1 of 4 stars; one submission).

Conditions:
ALG1-congenital disorder of glycosylation. Also called: CONGENITAL DISORDER OF GLYCOSYLATION, TYPE Ik; ALG1-CDG; CDG Ik. Identifiers: Orphanet 79327, MedGen C2931005, MONDO:0012052, OMIM 608540.

Submission:

Labcorp Genetics (formerly Invitae), Labcorp
Classification: Pathogenic for ALG1-congenital disorder of glycosylation. Last evaluated: 2025-12-21. Review status: criteria provided, single submitter. Criteria: Invitae Variant Classification Sherloc (09022015). Collection method: clinical testing. Allele origin: germline.
Comment: This sequence change creates a premature translational stop signal (p.Phe244Leufs*27) in the ALG1 gene. It is expected to result in an absent or disrupted protein product. Loss-of-function variants in ALG1 are known to be pathogenic (PMID: 20679665, 23806237). This variant is not present in population databases (gnomAD no frequency). This variant has not been reported in the literature in individuals affected with ALG1-related conditions. For these reasons, this variant has been classified as Pathogenic.

Literature cited by the submitters: PubMed 20679665; PubMed 23806237.